The following is an entry in ClinVar:

NM_000535.7(PMS2):c.587C>T (p.Ala196Val)

Gene: PMS2 (PMS1 homolog 2, mismatch repair system component; minus strand). Cytogenetic location: 7p22.1.
Variant type: single nucleotide variant.
Coding change: c.587C>T on transcript NM_000535.7 (MANE Select); coding-DNA position 587, C replaced by T.
Protein change: p.Ala196Val; replaces alanine 196 with valine.
Molecular consequence: missense variant. On other transcripts: 5 prime UTR variant (2), non-coding transcript variant (1), intron variant (1).
Genome position (GRCh38, 1-based): chr7:5,999,226, G>A on the plus strand (C>T on the coding strand, the complement: PMS2 is on the minus strand). VCF-style: chr7-5999226-G-A. GRCh37 (hg19) VCF-style: chr7-6038857-G-A.
Other names: c.182C>T, p.Ala61Val (NM_001322003.2, NM_001322004.2, NM_001322005.2 and 2 more transcripts); c.587C>T, p.Ala196Val (NM_001322006.2, NM_001322014.2); c.269C>T, p.Ala90Val (NM_001322007.2, NM_001322008.2); c.-347C>T (NM_001322011.2, NM_001322012.2); c.278C>T, p.Ala93Val (NM_001322015.2); c.133-1803C>T (NM_001322013.2); short protein forms A196V, A61V, A90V, A93V.
Identifiers: ClinVar variation 525685 (VCV000525685.14), dbSNP rs1554302485, ClinGen allele CA366744032.

ClinVar aggregate classification (germline): Uncertain significance. Review status: criteria provided, multiple submitters, no conflicts (2 of 4 stars). 3 submissions from 3 submitters: Uncertain significance (3). Last evaluated 2024-08-07.

Conditions:
Lynch syndrome 4 (LYNCH4). Also called: Colorectal cancer, hereditary nonpolyposis, type 4; Hereditary non-polyposis colorectal cancer, type 4. Identifiers: Orphanet 144, MedGen C1838333, MONDO:0013699, OMIM 614337. Disease mechanism: loss of function.
Hereditary nonpolyposis colorectal neoplasms. Identifiers: MedGen C0009405, MeSH D003123.
Hereditary cancer-predisposing syndrome. Also called: Neoplastic Syndromes, Hereditary; Tumor predisposition; Hereditary Cancer Syndrome; Hereditary neoplastic syndrome. Identifiers: Orphanet 140162, MedGen C0027672, MeSH D009386, MONDO:0015356.

Submissions (3):

Labcorp Genetics (formerly Invitae), Labcorp
Classification: Uncertain significance for Hereditary nonpolyposis colorectal neoplasms. Last evaluated: 2024-08-07. Review status: criteria provided, single submitter. Criteria: Invitae Variant Classification Sherloc (09022015). Collection method: clinical testing. Allele origin: germline.
Comment: This sequence change replaces alanine, which is neutral and non-polar, with valine, which is neutral and non-polar, at codon 196 of the PMS2 protein (p.Ala196Val). This variant is not present in population databases (gnomAD no frequency). This variant has not been reported in the literature in individuals affected with PMS2-related conditions. ClinVar contains an entry for this variant (Variation ID: 525685). Advanced modeling of protein sequence and biophysical properties (such as structural, functional, and spatial information, amino acid conservation, physicochemical variation, residue mobility, and thermodynamic stability) performed at Invitae indicates that this missense variant is not expected to disrupt PMS2 protein function with a negative predictive value of 80%. In summary, the available evidence is currently insufficient to determine the role of this variant in disease. Therefore, it has been classified as a Variant of Uncertain Significance.

Baylor Genetics
Classification: Uncertain significance for Lynch syndrome 4. Last evaluated: 2023-11-30. Review status: criteria provided, single submitter. Criteria: ACMG Guidelines, 2015. Collection method: clinical testing. Allele origin: unknown.

Ambry Genetics
Classification: Uncertain significance for Hereditary cancer-predisposing syndrome. Last evaluated: 2019-12-20. Review status: criteria provided, single submitter. Criteria: Ambry Variant Classification Scheme 2023. Collection method: clinical testing. Allele origin: germline.
Comment: The p.A196V variant (also known as c.587C>T), located in coding exon 6 of the PMS2 gene, results from a C to T substitution at nucleotide position 587. The alanine at codon 196 is replaced by valine, an amino acid with similar properties. This amino acid position is poorly conserved in available vertebrate species. In addition, this alteration is predicted to be tolerated by in silico analysis. Since supporting evidence is limited at this time, the clinical significance of this alteration remains unclear.